The following is an entry in ClinVar:

ClinVar aggregate classification (germline): Likely benign (1 of 4 stars; one submission).

Allele frequency attached by ClinVar (database versions not stated): 1000 Genomes Project 0.00459; ExAC 0.01603.

Submission:

CeGaT Center for Human Genetics Tuebingen
Classification: Likely benign. Last evaluated: 2023-01-01. Review status: criteria provided, single submitter. Criteria: CeGaT Center For Human Genetics Tuebingen Variant Classification Criteria Version 2. Collection method: clinical testing. Allele origin: germline. Affected: yes. Observed: 1 variant allele.
Comment: MUC5B: BP4, BP7

NM_002458.3(MUC5B):c.7719T>C (p.Thr2573=)

Genes: MUC5B (mucin 5B, oligomeric mucus/gel-forming; plus strand), MUC5B-AS1 (MUC5B antisense RNA 1; minus strand). Cytogenetic location: 11p15.5.
Variant type: single nucleotide variant.
Coding change: c.7719T>C on transcript NM_002458.3 (MANE Select); coding-DNA position 7719, T replaced by C.
Protein change: p.Thr2573=; no amino-acid change (threonine 2573 retained).
Molecular consequence: synonymous variant.
Genome position (GRCh38, 1-based): chr11:1,244,599, T>C. VCF-style: chr11-1244599-T-C. GRCh37 (hg19) VCF-style: chr11-1265829-T-C.
Identifiers: ClinVar variation 2641233 (VCV002641233.24), dbSNP rs200202564, ClinGen allele CA5806400.
Genomic context (GRCh38, chr11:1,244,599, plus strand): 5'-ACAGACCACCACACCCACGGCCACCATGTCCACAGCCACACCCTCCTCCACTCCAGAGAC[T>C]GTCCACACCTCCACAGTGCTTACCACCACGGCCACCACAACCGGGGCCACCGGCTCTGTG-3'
Protein context (NP_002449.2, residues 2563-2583): STATPSSTPE[Thr2573=]VHTSTVLTTT